The following is an entry in ClinVar:

NM_000257.4(MYH7):c.116T>G (p.Val39Gly)

Gene: MYH7 (myosin heavy chain 7; minus strand). Cytogenetic location: 14q11.2.
Variant type: single nucleotide variant.
Coding change: c.116T>G on transcript NM_000257.4 (MANE Select); coding-DNA position 116, T replaced by G.
Protein change: p.Val39Gly; replaces valine 39 with glycine.
Molecular consequence: missense variant.
Genome position (GRCh38, 1-based): chr14:23,433,617, A>C on the plus strand (T>G on the coding strand, the complement: MYH7 is on the minus strand). VCF-style: chr14-23433617-A-C. GRCh37 (hg19) VCF-style: chr14-23902826-A-C.
Other names: short protein forms V39G.
Identifiers: ClinVar variation 1316467 (VCV001316467.2), dbSNP rs2138686733, ClinGen allele CA389053856.

ClinVar aggregate classification (germline): Uncertain significance (1 of 4 stars; one submission).

Submission:

GeneDx
Classification: Uncertain significance. Last evaluated: 2020-01-17. Review status: criteria provided, single submitter. Criteria: GeneDx Variant Classification Process June 2021. Collection method: clinical testing. Allele origin: germline. Affected: yes.
Comment: Has not been previously published as pathogenic or benign to our knowledge; Not observed in large population cohorts (Lek et al., 2016); In silico analysis, which includes protein predictors and evolutionary conservation, supports a deleterious effect